The following is an entry in ClinVar:

NM_004565.3(PEX14):c.820T>C (p.Ser274Pro)

Gene: PEX14 (peroxisomal biogenesis factor 14; plus strand). Cytogenetic location: 1p36.22.
Variant type: single nucleotide variant.
Coding change: c.820T>C on transcript NM_004565.3 (MANE Select); coding-DNA position 820, T replaced by C.
Protein change: p.Ser274Pro; replaces serine 274 with proline.
Molecular consequence: missense variant.
Genome position (GRCh38, 1-based): chr1:10,629,673, T>C. VCF-style: chr1-10629673-T-C. GRCh37 (hg19) VCF-style: chr1-10689730-T-C.
Other names: short protein forms S274P.
Identifiers: ClinVar variation 2093570 (VCV002093570.2), dbSNP rs2521925610, ClinGen allele CA338338751.
Genomic context (GRCh38, chr1:10,629,673, plus strand): 5'-GCGGCCGTGAACCACCACAGCAGCAGCGACATCTCACCTGTCAGCAACGAGTCCACGTCG[T>C]CCTCGCCTGGGAAGGAGGGCCACAGCCCCGAGGGCTCCACGGTCACCTACCACTTGCTGG-3'
Protein context (NP_004556.1, residues 264-284): ISPVSNESTS[Ser274Pro]SPGKEGHSPE

ClinVar aggregate classification (germline): Uncertain significance (1 of 4 stars; one submission).

Conditions:
Peroxisome biogenesis disorder, complementation group K (CGK). Identifiers: MedGen C1866257, MONDO:0800365.

Allele frequency attached by ClinVar (database versions not stated): gnomAD exomes below 0.00001.
gnomAD v4.1: 2 of 1,613,682 alleles (0.00012%); highest among the groups gnomAD compares: East Asian, 0.0022%; no homozygotes.

Submission:

Labcorp Genetics (formerly Invitae), Labcorp
Classification: Uncertain significance for Peroxisome biogenesis disorder, complementation group K. Last evaluated: 2022-02-07. Review status: criteria provided, single submitter. Criteria: Invitae Variant Classification Sherloc (09022015). Collection method: clinical testing. Allele origin: germline.
Comment: This sequence change replaces serine, which is neutral and polar, with proline, which is neutral and non-polar, at codon 274 of the PEX14 protein (p.Ser274Pro). This variant is not present in population databases (gnomAD no frequency). This variant has not been reported in the literature in individuals affected with PEX14-related conditions. Algorithms developed to predict the effect of missense changes on protein structure and function output the following: SIFT: "Tolerated"; PolyPhen-2: "Benign"; Align-GVGD: "Class C0". The proline amino acid residue is found in multiple mammalian species, which suggests that this missense change does not adversely affect protein function. In summary, the available evidence is currently insufficient to determine the role of this variant in disease. Therefore, it has been classified as a Variant of Uncertain Significance.